The following is an entry in ClinVar:

NM_020163.3(SEMA3G):c.1161C>T (p.Thr387=)

Gene: SEMA3G (semaphorin 3G; minus strand). Cytogenetic location: 3p21.1.
Variant type: single nucleotide variant.
Coding change: c.1161C>T on transcript NM_020163.3 (MANE Select); coding-DNA position 1161, C replaced by T.
Protein change: p.Thr387=; no amino-acid change (threonine 387 retained).
Molecular consequence: synonymous variant.
Genome position (GRCh38, 1-based): chr3:52,440,081, G>A on the plus strand (C>T on the coding strand, the complement: SEMA3G is on the minus strand). VCF-style: chr3-52440081-G-A. GRCh37 (hg19) VCF-style: chr3-52474097-G-A.
Identifiers: ClinVar variation 3053415 (VCV003053415.2), dbSNP rs144336324, ClinGen allele CA2438036.

ClinVar aggregate classification (germline): Likely benign (0 of 4 stars; one submission).

Conditions:
SEMA3G-related disorder. Also called: SEMA3G-related condition.

Allele frequency attached by ClinVar (database versions not stated): gnomAD exomes 0.00008; ExAC 0.00024; 1000 Genomes Project 30x 0.00031; 1000 Genomes Project 0.00040; ESP Exome Variant Server 0.00062; gnomAD 0.00074; TOPMed 0.00077.
gnomAD v4.1: 231 of 1,585,594 alleles (0.015%); highest among the groups gnomAD compares: African/African-American, 0.27%; no homozygotes.

Submission:

PreventionGenetics, part of Exact Sciences
Classification: Likely benign for SEMA3G-related condition. Last evaluated: 2021-05-26. Review status: no assertion criteria provided. Collection method: clinical testing. Allele origin: germline.
Comment: This variant is classified as likely benign based on ACMG/AMP sequence variant interpretation guidelines (Richards et al. 2015 PMID: 25741868, with internal and published modifications).